The following is an entry in ClinVar:

NM_004943.2(DMWD):c.1362C>G (p.Pro454=)

Gene: DMWD (DM1 locus, WD repeat containing; minus strand). Cytogenetic location: 19q13.32.
Variant type: single nucleotide variant.
Coding change: c.1362C>G on transcript NM_004943.2 (MANE Select); coding-DNA position 1362, C replaced by G.
Protein change: p.Pro454=; no amino-acid change (proline 454 retained).
Molecular consequence: synonymous variant.
Genome position (GRCh38, 1-based): chr19:45,786,134, G>C on the plus strand (C>G on the coding strand, the complement: DMWD is on the minus strand). VCF-style: chr19-45786134-G-C. GRCh37 (hg19) VCF-style: chr19-46289392-G-C.
Identifiers: ClinVar variation 3058897 (VCV003058897.2), dbSNP rs8110017, ClinGen allele CA9522083.

ClinVar aggregate classification (germline): Benign (0 of 4 stars; one submission).

Conditions:
DMWD-related disorder. Also called: DMWD-related condition.

Allele frequency attached by ClinVar (database versions not stated): gnomAD exomes 0.83382; ExAC 0.86630; ESP Exome Variant Server 0.86976; TOPMed 0.87434; 1000 Genomes Project 0.90116; 1000 Genomes Project 30x 0.90475.

Submission:

PreventionGenetics, part of Exact Sciences
Classification: Benign for DMWD-related condition. Last evaluated: 2019-10-29. Review status: no assertion criteria provided. Collection method: clinical testing. Allele origin: germline.
Comment: This variant is classified as benign based on ACMG/AMP sequence variant interpretation guidelines (Richards et al. 2015 PMID: 25741868, with internal and published modifications).